The following is an entry in ClinVar:

ClinVar aggregate classification (germline): Uncertain significance (1 of 4 stars; one submission).

Conditions:
Wiskott-Aldrich syndrome 2 (WAS2). Also called: WIPF1 DEFICIENCY. Identifiers: Orphanet 906, MedGen C3281001, MONDO:0013779, OMIM 614493.

Allele frequency attached by ClinVar (database versions not stated): gnomAD exomes below 0.00001.
gnomAD v4.1: 1 of 1,612,304 alleles (0.000062%); highest among the groups gnomAD compares: Non-Finnish European, 0.000085%; no homozygotes.

Submission:

Labcorp Genetics (formerly Invitae), Labcorp
Classification: Uncertain significance for Wiskott-Aldrich syndrome 2. Last evaluated: 2022-01-12. Review status: criteria provided, single submitter. Criteria: Invitae Variant Classification Sherloc (09022015). Collection method: clinical testing. Allele origin: germline.
Comment: This sequence change replaces proline, which is neutral and non-polar, with threonine, which is neutral and polar, at codon 12 of the WIPF1 protein (p.Pro12Thr). The frequency data for this variant in the population databases is considered unreliable, as metrics indicate poor data quality at this position in the gnomAD database. This variant has not been reported in the literature in individuals affected with WIPF1-related conditions. Experimental studies and prediction algorithms are not available or were not evaluated, and the functional significance of this variant is currently unknown. In summary, the available evidence is currently insufficient to determine the role of this variant in disease. Therefore, it has been classified as a Variant of Uncertain Significance.

NM_001375834.1(WIPF1):c.34C>A (p.Pro12Thr)

Genes: WIPF1 (WAS/WASL interacting protein family member 1; minus strand), WIPF1-AS1 (WIPF1 and CHRNA1 antisense RNA 1; plus strand). Cytogenetic location: 2q31.1.
Variant type: single nucleotide variant.
Coding change: c.34C>A on transcript NM_001375834.1 (MANE Select); coding-DNA position 34, C replaced by A.
Protein change: p.Pro12Thr; replaces proline 12 with threonine.
Molecular consequence: missense variant.
Genome position (GRCh38, 1-based): chr2:174,585,540, G>T on the plus strand (C>A on the coding strand, the complement: WIPF1 is on the minus strand). VCF-style: chr2-174585540-G-T. GRCh37 (hg19) VCF-style: chr2-175450268-G-T.
Other names: c.34C>A, p.Pro12Thr (NM_001077269.1, NM_001375832.1, NM_001375833.1 and 6 more transcripts); short protein forms P12T.
Identifiers: ClinVar variation 2080823 (VCV002080823.4), dbSNP rs1406596674, ClinGen allele CA349687896.
Genomic context (GRCh38, chr2:174,585,540, plus strand): 5'-GCTTGCTTTATGCATAGAAAGTGTTTGGGGAGGAGACACTCACCAGTGCAAACGTCGGGG[G>T]CGGCGGGGGTGCTGGAGGGGGAGGGACAGGCATCTTGGGCAGTTATGCGTTCAACAGTCT-3'
Protein context (NP_001362763.1, residues 2-22): PVPPPPAPPP[Pro12Thr]PTFALANTEK